The following is an entry in ClinVar:

NM_001365951.3(KIF1B):c.2465G>A (p.Arg822His)

Gene: KIF1B (kinesin family member 1B; plus strand). Cytogenetic location: 1p36.22.
Variant type: single nucleotide variant.
Coding change: c.2465G>A on transcript NM_001365951.3 (MANE Select); coding-DNA position 2465, G replaced by A.
Protein change: p.Arg822His; replaces arginine 822 with histidine.
Molecular consequence: missense variant.
Genome position (GRCh38, 1-based): chr1:10,323,990, G>A. VCF-style: chr1-10323990-G-A. GRCh37 (hg19) VCF-style: chr1-10384048-G-A.
Other names: c.2465G>A, p.Arg822His (NM_001365952.1); c.2327G>A, p.Arg776His (NM_015074.3); short protein forms R776H, R822H.
Identifiers: ClinVar variation 1789665 (VCV001789665.4), dbSNP rs766572494, ClinGen allele CA581531.
Genomic context (GRCh38, chr1:10,323,990, plus strand): 5'-TGCCTCCTGAATTACTTCCCACTGAGATGGAAAAAACTCATGAGGACAGGCCTTTCCCTC[G>A]CACAGTGGTAGCAGTAGAAGTCCAGGATTTGAAGAATGGAGCAACACACTATTGGTCTTT-3'
Protein context (NP_001352880.1, residues 812-832): EKTHEDRPFP[Arg822His]TVVAVEVQDL

ClinVar aggregate classification (germline): Uncertain significance (1 of 4 stars; one submission).

Allele frequency attached by ClinVar (database versions not stated): ExAC 0.00001.
gnomAD v4.1: 9 of 1,614,008 alleles (0.00056%); highest among the groups gnomAD compares: Admixed American, 0.0017%; no homozygotes.

Submission:

Ambry Genetics
Classification: Uncertain significance. Last evaluated: 2025-07-04. Review status: criteria provided, single submitter. Criteria: Ambry Variant Classification Scheme 2023. Collection method: clinical testing. Allele origin: germline.
Comment: The p.R776H variant (also known as c.2327G>A), located in coding exon 22 of the KIF1B gene, results from a G to A substitution at nucleotide position 2327. The arginine at codon 776 is replaced by histidine, an amino acid with highly similar properties. This amino acid position is highly conserved in available vertebrate species. In addition, the in silico prediction for this alteration is inconclusive. Since supporting evidence is limited at this time, the clinical significance of this alteration remains unclear.